The following is an entry in ClinVar:

ClinVar aggregate classification (germline): Uncertain significance (1 of 4 stars; one submission).

Conditions:
Specific granule deficiency. Identifiers: Orphanet 169142, MedGen C0398593, MONDO:0009506.

Submission:

Labcorp Genetics (formerly Invitae), Labcorp
Classification: Uncertain significance for Specific granule deficiency. Last evaluated: 2018-04-10. Review status: criteria provided, single submitter. Criteria: Invitae Variant Classification Sherloc (09022015). Collection method: clinical testing. Allele origin: germline.
Comment: This variant is not present in population databases (ExAC no frequency). This sequence change replaces serine with asparagine at codon 221 of the CEBPE protein (p.Ser221Asn). The serine residue is highly conserved and there is a small physicochemical difference between serine and asparagine. This variant has not been reported in the literature in individuals with CEBPE-related disease. In summary, the available evidence is currently insufficient to determine the role of this variant in disease. Therefore, it has been classified as a Variant of Uncertain Significance. Algorithms developed to predict the effect of missense changes on protein structure and function (SIFT, PolyPhen-2, Align-GVGD) all suggest that this variant is likely to be disruptive, but these predictions have not been confirmed by published functional studies and their clinical significance is uncertain.

NM_001805.4(CEBPE):c.662G>A (p.Ser221Asn)

Gene: CEBPE (CCAAT enhancer binding protein epsilon; minus strand). Cytogenetic location: 14q11.2.
Variant type: single nucleotide variant.
Coding change: c.662G>A on transcript NM_001805.4 (MANE Select); coding-DNA position 662, G replaced by A.
Protein change: p.Ser221Asn; replaces serine 221 with asparagine.
Molecular consequence: missense variant.
Genome position (GRCh38, 1-based): chr14:23,117,671, C>T on the plus strand (G>A on the coding strand, the complement: CEBPE is on the minus strand). VCF-style: chr14-23117671-C-T. GRCh37 (hg19) VCF-style: chr14-23586880-C-T.
Other names: short protein forms S221N.
Identifiers: ClinVar variation 565423 (VCV000565423.10), dbSNP rs1566773059, ClinGen allele CA388951989.
Genomic context (GRCh38, chr14:23,117,671, plus strand): 5'-GCCATGTACTCCAGCACCTTCTGCTGCGTCTCCAGAATGCGCCTCTTGGCCTTGTCTCGG[C>T]TCTTGCGCACGGCGATGTTGTTGCGCTCCCGCCTCAGCCGGTACTCAAGGCTATCTTTGT-3'
Protein context (NP_001796.2, residues 211-231): RERNNIAVRK[Ser221Asn]RDKAKRRILE